The following is an entry in ClinVar:

ClinVar aggregate classification (germline): Likely pathogenic. Review status: criteria provided, multiple submitters, no conflicts (2 of 4 stars). 5 submissions from 5 submitters: Likely pathogenic (3). 2 of the submissions do not count toward it. Last evaluated 2025-06-06.

Conditions:
KRT14-related disorder. Also called: KRT14-related condition.
Naegeli-Franceschetti-Jadassohn syndrome (NFJS). Also called: NFJ SYNDROME. Identifiers: Orphanet 69087, MedGen C0343111, MONDO:0008059, OMIM 161000.
Epidermolysis bullosa simplex 1A, generalized severe (EBS1A). Also called: Epidermolysis bullosa simplex Dowling-Meara type. Identifiers: Orphanet 79396, MedGen C0079295, MONDO:0007550, OMIM 131760.
Epidermolysis bullosa simplex 1C, localized. Also called: Localized epidermolysis bullosa simplex; Weber-Cockayne Syndrome; Epidermolysis Bullosa Simplex, Weber-Cockayne Type; EBS, ACRAL FORM; EPIDERMOLYSIS BULLOSA OF HANDS AND FEET. Identifiers: Orphanet 79400, MedGen C0080333, MONDO:0007551, OMIM 131800.
Dermatopathia pigmentosa reticularis (DPR). Identifiers: Orphanet 86920, MedGen C0406778, MONDO:0007445, OMIM 125595.
Epidermolysis bullosa simplex 1D, generalized, intermediate or severe, autosomal recessive. Identifiers: Orphanet 89838, MedGen C3715082, MONDO:0010976, OMIM 601001.
Epidermolysis bullosa simplex, Koebner type. Identifiers: Orphanet 79399, MedGen C5561924, MONDO:0007554, OMIM 131900.

Allele frequency attached by ClinVar (database versions not stated): ExAC 0.00001; gnomAD 0.00001; gnomAD exomes 0.00002; TOPMed 0.00002.
gnomAD v4.1: 31 of 1,612,742 alleles (0.0019%); highest among the groups gnomAD compares: Non-Finnish European, 0.0023%; no homozygotes.

Submissions (5):

GeneDx
Classification: Likely pathogenic. Last evaluated: 2025-06-06. Review status: criteria provided, single submitter. Criteria: GeneDx Variant Classification Process June 2021. Collection method: clinical testing. Allele origin: germline. Affected: yes.
Comment: Canonical splice site variant predicted to result in a null allele in a gene for which loss of function is a known mechanism of disease; This variant is associated with the following publications: (PMID: 32927888, 8875963, 21326298, 21375516)

Department of Pathology and Laboratory Medicine, Sinai Health System
Classification: Likely pathogenic for Epidermolysis bullosa simplex 1C, localized; Epidermolysis bullosa simplex 1D, generalized, intermediate or severe, autosomal recessive; Naegeli-Franceschetti-Jadassohn syndrome; Epidermolysis bullosa simplex 1A, generalized severe; Dermatopathia pigmentosa reticularis; Epidermolysis bullosa simplex, Koebner type. Last evaluated: 2023-04-20. Review status: criteria provided, single submitter. Criteria: ACMG Guidelines, 2015. Collection method: research. Allele origin: germline.

Blueprint Genetics
Classification: Likely pathogenic for KRT14-related disorders. Last evaluated: 2021-12-17. Review status: criteria provided, single submitter. Criteria: ACMG Guidelines, 2015. Collection method: clinical testing. Allele origin: germline. Affected: yes. Observed: 1 variant allele.

OMIM
Classification: Pathogenic for EPIDERMOLYSIS BULLOSA SIMPLEX 1D, GENERALIZED SEVERE, AUTOSOMAL RECESSIVE. Last evaluated: 1996-11-01. Review status: no assertion criteria provided. Collection method: literature only. Allele origin: germline. Not counted in ClinVar's aggregate classification.

Epithelial Biology;  Institute of Medical Biology, Singapore
No classification provided. Review status: no classification provided. Collection method: not provided. Allele origin: not provided. Not counted in ClinVar's aggregate classification.

Literature cited by the submitters: PubMed 8875963 (cited by OMIM).

NM_000526.5(KRT14):c.526-2A>C

Gene: KRT14 (keratin 14; minus strand). Cytogenetic location: 17q21.2.
Variant type: single nucleotide variant.
Coding change: c.526-2A>C on transcript NM_000526.5 (MANE Select); the canonical splice acceptor site of the intron before coding-DNA position 526, A replaced by C.
Molecular consequence: splice acceptor variant.
Genome position (GRCh38, 1-based): chr17:41,585,059, T>G on the plus strand (A>C on the coding strand, the complement: KRT14 is on the minus strand). VCF-style: chr17-41585059-T-G. GRCh37 (hg19) VCF-style: chr17-39741311-T-G.
Other names: IVS1AS, A-C, -2.
Identifiers: ClinVar variation 66369 (VCV000066369.8), dbSNP rs200779504, ClinGen allele CA216963.